The following is an entry in ClinVar:

ClinVar aggregate classification (germline): Pathogenic. Review status: criteria provided, multiple submitters, no conflicts (2 of 4 stars). 2 submissions from 2 submitters: Pathogenic (2). Last evaluated 2025-03-31.

Conditions:
Cardiovascular phenotype. Identifiers: MedGen CN230736.
Hyperlipoproteinemia, type I. Also called: HYPERLIPOPROTEINEMIA, TYPE IA; LPL DEFICIENCY; Lipase D deficiency; Familial Lipoprotein Lipase Deficiency; Familial hyperlipo-proteinemia type 1; Hyperlipemia essential familial. Identifiers: Orphanet 309015, Orphanet 444490, MedGen C0023817, MONDO:0009387, OMIM 238600. Disease mechanism: loss of function.

Submissions (2):

Natera, Inc.
Classification: Pathogenic for Lipoprotein lipase deficiency. Last evaluated: 2025-03-31. Review status: criteria provided, single submitter. Criteria: Natera Variant Classification Schema (03/2026). Collection method: clinical testing. Allele origin: germline.
Comment: The c.899_921dup variant in LPL is a frameshift variant predicted to shift the reading frame beginning at codon 308 and leads to a stop codon 4 codons downstream. This variant is expected to result in nonsense mediated decay, truncation, or a dysfunctional protein product. This variant is rare in the general population with a frequency below the threshold expected for the associated phenotype(s). This variant has been observed in one or more individuals affected with the associated recessive disease, as either homozygous or compound heterozygous with a second variant (PMID: 37858495). Given the available evidence, this variant is classified as Pathogenic.

Ambry Genetics
Classification: Pathogenic for Cardiovascular phenotype. Last evaluated: 2023-02-27. Review status: criteria provided, single submitter. Criteria: Ambry Variant Classification Scheme 2023. Collection method: clinical testing. Allele origin: germline.
Comment: The c.899_921dup23 (p.N308Gfs*4) alteration, located in exon 6 (coding exon 6) of the LPL gene, consists of a duplication of GGCTCTGCTTGAGTTGTAGAAAG at position 899, causing a translational frameshift with a predicted alternate stop codon after 4 amino acids. This alteration is expected to result in loss of function by premature protein truncation or nonsense-mediated mRNA decay. This variant was not reported in population-based cohorts in the Genome Aggregation Database (gnomAD). Based on the available evidence, this alteration is classified as pathogenic.

Literature cited by the submitters: PubMed 37858495 (cited by Natera, Inc.).

NM_000237.3(LPL):c.899_921dup (p.Asn308delinsGlySerAlaTer)

Gene: LPL (lipoprotein lipase; plus strand). Cytogenetic location: 8p21.3.
Variant type: Duplication.
Coding change: c.899_921dup on transcript NM_000237.3 (MANE Select); coding-DNA positions 899 to 921, 23 bases duplicated (GGCTCTGCTTGAGTTGTAGAAAG).
Protein change: p.Asn308delinsGlySerAlaTer.
Molecular consequence: nonsense.
Genome position (GRCh38, 1-based): chr8:19,955,964-19,955,986, GGCTCTGCTTGAGTTGTAGAAAG duplicated; duplicating any 23 consecutive bases within chr8:19,955,958-19,955,986 gives the same sequence; the c. name uses the placement nearest the transcript's 3' end. VCF-style (leftmost placement, unchanged base first): chr8-19955957-G-GAGAAAGGGCTCTGCTTGAGTTGT. GRCh37 (hg19) VCF-style: chr8-19813468-G-GAGAAAGGGCTCTGCTTGAGTTGT.
Other names: c.899_921dupGGCTCTGCTTGAGTTGTAGAAAG (NM_000237.2); c.899_921dup (NM_000237.2).
Identifiers: ClinVar variation 2484764 (VCV002484764.4), dbSNP rs2540107190, ClinGen allele CA2580078053.
Genomic context (GRCh38, chr8:19,955,957, plus strand): 5'-TCTCTGTTGAATGAAGAAAATCCAAGTAAGGCCTACAGGTGCAGTTCCAAGGAAGCCTTT[G>GAGAAAGGGCTCTGCTTGAGTTGT]AGAAAGGGCTCTGCTTGAGTTGTAGAAAGAACCGCTGCAACAATCTGGGCTATGAGATCA-3'